The following is an entry in ClinVar:

NM_005883.3(APC2):c.1853+6C>T

Gene: APC2 (APC regulator of Wnt signaling pathway 2; plus strand). Cytogenetic location: 19p13.3.
Variant type: single nucleotide variant.
Coding change: c.1853+6C>T on transcript NM_005883.3 (MANE Select); 6 bases into the intron after coding-DNA position 1853, C replaced by T.
Molecular consequence: intron variant.
Genome position (GRCh38, 1-based): chr19:1,462,183, C>T. VCF-style: chr19-1462183-C-T. GRCh37 (hg19) VCF-style: chr19-1462182-C-T.
Other names: c.1850+6C>T (NM_001351273.1).
Identifiers: ClinVar variation 2102664 (VCV002102664.4), dbSNP rs768514230, ClinGen allele CA9045306.

ClinVar aggregate classification (germline): Uncertain significance (1 of 4 stars; one submission).

Allele frequency attached by ClinVar (database versions not stated): gnomAD exomes below 0.00001; ExAC 0.00010.
gnomAD v4.1: 5 of 1,522,530 alleles (0.00033%); highest among the groups gnomAD compares: South Asian, 0.0062%; no homozygotes.

Submission:

Labcorp Genetics (formerly Invitae), Labcorp
Classification: Uncertain significance. Last evaluated: 2022-02-23. Review status: criteria provided, single submitter. Criteria: Invitae Variant Classification Sherloc (09022015). Collection method: clinical testing. Allele origin: germline.
Comment: This sequence change falls in intron 14 of the APC2 gene. It does not directly change the encoded amino acid sequence of the APC2 protein. It affects a nucleotide within the consensus splice site. The frequency data for this variant in the population databases is considered unreliable, as metrics indicate poor data quality at this position in the gnomAD database. This variant has not been reported in the literature in individuals affected with APC2-related conditions. Variants that disrupt the consensus splice site are a relatively common cause of aberrant splicing (PMID: 17576681, 9536098). Algorithms developed to predict the effect of sequence changes on RNA splicing suggest that this variant may disrupt the consensus splice site. In summary, the available evidence is currently insufficient to determine the role of this variant in disease. Therefore, it has been classified as a Variant of Uncertain Significance.

Literature cited by the submitters: PubMed 17576681; PubMed 9536098.